The following is an entry in ClinVar:

ClinVar aggregate classification (germline): Pathogenic (1 of 4 stars; one submission).

Submission:

Labcorp Genetics (formerly Invitae), Labcorp
Classification: Pathogenic. Last evaluated: 2023-11-20. Review status: criteria provided, single submitter. Criteria: Invitae Variant Classification Sherloc (09022015). Collection method: clinical testing. Allele origin: germline.
Comment: This sequence change creates a premature translational stop signal (p.Thr2001Profs*98) in the LOXHD1 gene. While this is not anticipated to result in nonsense mediated decay, it is expected to disrupt the last 211 amino acid(s) of the LOXHD1 protein. This variant is not present in population databases (gnomAD no frequency). This variant has not been reported in the literature in individuals affected with LOXHD1-related conditions. This variant disrupts a region of the LOXHD1 protein in which other variant(s) (p.Gly2118Glu) have been determined to be pathogenic (PMID: 29676012). This suggests that this is a clinically significant region of the protein, and that variants that disrupt it are likely to be disease-causing. For these reasons, this variant has been classified as Pathogenic.

Literature cited by the submitters: PubMed 29676012.

NM_001384474.1(LOXHD1):c.6187del (p.Thr2063fs)

Gene: LOXHD1 (lipoxygenase homology PLAT domains 1; minus strand). Cytogenetic location: 18q21.1.
Variant type: Deletion.
Coding change: c.6187del on transcript NM_001384474.1 (MANE Select); coding-DNA position 6187, one base deleted (A; older notation c.6187delA).
Protein change: p.Thr2063fs; shifts the reading frame from threonine 2063.
Molecular consequence: frameshift variant.
Genome position (GRCh38, 1-based): chr18:46,483,741, T deleted on the plus strand (A on the coding strand, the reverse complement: LOXHD1 is on the minus strand). VCF-style (leftmost placement, unchanged base first): chr18-46483740-GT-G. GRCh37 (hg19) VCF-style: chr18-44063703-GT-G.
Other names: c.2854del, p.Thr952fs (NM_001145472.3); c.904del, p.Thr302fs (NM_001145473.3, NM_001173129.2); c.2566del, p.Thr856fs (NM_001308013.2); c.6001del, p.Thr2001fs (NM_144612.7); short protein forms T2001fs, T952fs, T302fs, T2063fs, T856fs.
Identifiers: ClinVar variation 2697711 (VCV002697711.3), dbSNP rs2511365219, ClinGen allele CA2697555426.
Genomic context (GRCh38, chr18:46,483,740, plus strand): 5'-CCCACACAGAGGGAGGCAATGTCCCCCAAGTAGATGCTGTCAAACTCAAACGTGTCTGTG[GT>G]CCCCCTGCAGGAAACAAAAGTGTGGTCCATGAGCTGCCTTTGCCCACTGAAGCAGGTAAG-3'